The following is an entry in ClinVar:

NM_014140.4(SMARCAL1):c.1415C>T (p.Ala472Val)

Gene: SMARCAL1 (SNF2 related chromatin remodeling annealing helicase 1; plus strand). Cytogenetic location: 2q35.
Variant type: single nucleotide variant.
Coding change: c.1415C>T on transcript NM_014140.4 (MANE Select); coding-DNA position 1415, C replaced by T.
Protein change: p.Ala472Val; replaces alanine 472 with valine.
Molecular consequence: missense variant.
Genome position (GRCh38, 1-based): chr2:216,432,798, C>T. VCF-style: chr2-216432798-C-T. GRCh37 (hg19) VCF-style: chr2-217297521-C-T.
Other names: c.1415C>T, p.Ala472Val (NM_001127207.2); short protein forms A472V.
Identifiers: ClinVar variation 1969655 (VCV001969655.2), dbSNP rs1559126517, ClinGen allele CA350500136.

ClinVar aggregate classification (germline): Uncertain significance (1 of 4 stars; one submission).

Conditions:
Schimke immuno-osseous dysplasia (SIOD). Also called: Schimke Immunoosseous Dysplasia. Identifiers: Orphanet 1830, MedGen C0877024, MONDO:0009458, OMIM 242900.

Allele frequency attached by ClinVar (database versions not stated): TOPMed below 0.00001.

Submission:

Labcorp Genetics (formerly Invitae), Labcorp
Classification: Uncertain significance for Schimke immuno-osseous dysplasia. Last evaluated: 2022-06-02. Review status: criteria provided, single submitter. Criteria: Invitae Variant Classification Sherloc (09022015). Collection method: clinical testing. Allele origin: germline.
Comment: This sequence change replaces alanine, which is neutral and non-polar, with valine, which is neutral and non-polar, at codon 472 of the SMARCAL1 protein (p.Ala472Val). This variant is not present in population databases (gnomAD no frequency). This variant has not been reported in the literature in individuals affected with SMARCAL1-related conditions. Algorithms developed to predict the effect of missense changes on protein structure and function are either unavailable or do not agree on the potential impact of this missense change (SIFT: "Tolerated"; PolyPhen-2: "Probably Damaging"; Align-GVGD: "Class C0"). In summary, the available evidence is currently insufficient to determine the role of this variant in disease. Therefore, it has been classified as a Variant of Uncertain Significance.